The following is an entry in ClinVar:

ClinVar aggregate classification (germline): Uncertain significance (1 of 4 stars; one submission).

Submission:

Labcorp Genetics (formerly Invitae), Labcorp
Classification: Uncertain significance. Last evaluated: 2021-04-14. Review status: criteria provided, single submitter. Criteria: Invitae Variant Classification Sherloc (09022015). Collection method: clinical testing. Allele origin: germline.
Comment: Algorithms developed to predict the effect of missense changes on protein structure and function are either unavailable or do not agree on the potential impact of this missense change (SIFT: "Deleterious"; PolyPhen-2: "Not Available"; Align-GVGD: "Class C0"). In summary, the available evidence is currently insufficient to determine the role of this variant in disease. Therefore, it has been classified as a Variant of Uncertain Significance. This variant has not been reported in the literature in individuals with SRCAP-related conditions. This sequence change replaces serine with threonine at codon 56 of the SRCAP protein (p.Ser56Thr). The serine residue is highly conserved and there is a small physicochemical difference between serine and threonine. This variant is not present in population databases (ExAC no frequency).

NM_006662.3(SRCAP):c.166T>A (p.Ser56Thr)

Gene: SRCAP (Snf2 related CREBBP activator protein; plus strand). Cytogenetic location: 16p11.2.
Variant type: single nucleotide variant.
Coding change: c.166T>A on transcript NM_006662.3 (MANE Select); coding-DNA position 166, T replaced by A.
Protein change: p.Ser56Thr; replaces serine 56 with threonine.
Molecular consequence: missense variant.
Genome position (GRCh38, 1-based): chr16:30,704,175, T>A. VCF-style: chr16-30704175-T-A. GRCh37 (hg19) VCF-style: chr16-30715496-T-A.
Other names: short protein forms S56T.
Identifiers: ClinVar variation 1345052 (VCV001345052.6), dbSNP rs2151284654, ClinGen allele CA395596908.